The following is an entry in ClinVar:

ClinVar aggregate classification (germline): Pathogenic (1 of 4 stars; one submission).

Conditions:
Idiopathic Pulmonary Fibrosis. Also called: Idiopathic fibrosing alveolitis, chronic form; idiopathic fibrosing alveolitis. Identifiers: Orphanet 2032, MedGen C1800706, MeSH D054990, MONDO:0800504.
Dyskeratosis congenita, autosomal dominant 2. Identifiers: MedGen C3151443, MONDO:0013521, OMIM 613989.

Submission:

Labcorp Genetics (formerly Invitae), Labcorp
Classification: Pathogenic for Dyskeratosis congenita, autosomal dominant 2; Idiopathic Pulmonary Fibrosis. Last evaluated: 2021-04-09. Review status: criteria provided, single submitter. Criteria: Invitae Variant Classification Sherloc (09022015). Collection method: clinical testing. Allele origin: germline.
Comment: This sequence change creates a premature translational stop signal (p.Pro625Serfs*11) in the TERT gene. It is expected to result in an absent or disrupted protein product. Loss-of-function variants in TERT are known to be pathogenic (PMID: 16247010, 17460043). This variant is not present in population databases (ExAC no frequency). For these reasons, this variant has been classified as Pathogenic. This variant has not been reported in the literature in individuals with TERT-related conditions.

Literature cited by the submitters: PubMed 16247010; PubMed 17460043.

NM_198253.3(TERT):c.1871_1872dup (p.Pro625fs)

Gene: TERT (telomerase reverse transcriptase; minus strand). Cytogenetic location: 5p15.33.
Variant type: Duplication.
Coding change: c.1871_1872dup on transcript NM_198253.3 (MANE Select); coding-DNA positions 1871 to 1872, 2 bases duplicated (TC; older notation c.1871_1872dupTC).
Protein change: p.Pro625fs; shifts the reading frame from proline 625.
Molecular consequence: frameshift variant. On other transcripts: non-coding transcript variant (2).
Genome position (GRCh38, 1-based): chr5:1,280,236-1,280,237, GA duplicated on the plus strand (TC on the coding strand, the reverse complement: TERT is on the minus strand). VCF-style (leftmost placement, unchanged base first): chr5-1280235-G-GGA. GRCh37 (hg19) VCF-style: chr5-1280350-G-GGA.
Other names: c.1871_1872dup, p.Pro625fs (NM_001193376.3); short protein forms P625fs.
Identifiers: ClinVar variation 1434641 (VCV001434641.6), dbSNP rs2126644399, ClinGen allele CA2573138403.
Genomic context (GRCh38, chr5:1,280,235, plus strand): 5'-ACGTTCTGGCTCCCACGACGTAGTCCATGTTCACAATCGGCCGCAGCCCGTCAGGCTTGG[G>GGA]GATGAAGCGGAGTCTGGACGTCAGCAGGGCGGGCCTGGCTTCCCGATGCTGCCTGACCTC-3'